The following is an entry in ClinVar:

NM_152617.4(RNF168):c.1576C>A (p.Gln526Lys)

Gene: RNF168 (ring finger protein 168; minus strand). Cytogenetic location: 3q29.
Variant type: single nucleotide variant.
Coding change: c.1576C>A on transcript NM_152617.4 (MANE Select); coding-DNA position 1576, C replaced by A.
Protein change: p.Gln526Lys; replaces glutamine 526 with lysine.
Molecular consequence: missense variant.
Genome position (GRCh38, 1-based): chr3:196,471,959, G>T on the plus strand (C>A on the coding strand, the complement: RNF168 is on the minus strand). VCF-style: chr3-196471959-G-T. GRCh37 (hg19) VCF-style: chr3-196198830-G-T.
Other names: short protein forms Q526K.
Identifiers: ClinVar variation 3621350 (VCV003621350.1).
Genomic context (GRCh38, chr3:196,471,959, plus strand): 5'-CCTTACAGTGATCTCTAGTAGAATTTGGCATCTTTCTTCTATTAACTGACTGCTTCAACT[G>T]CATCTTTAAAGACACTTGCCTATTTTTGTCCCTTGAGCCTCTCTCTGGTGTTGGATGCTT-3'
Protein context (NP_689830.2, residues 516-536): DKNRQVSLKM[Gln526Lys]LKQSVNRRKM

ClinVar aggregate classification (germline): Uncertain significance (1 of 4 stars; one submission).

gnomAD v4.1: 6 of 1,613,892 alleles (0.00037%); highest among the groups gnomAD compares: South Asian, 0.0044%; no homozygotes.

Submission:

Labcorp Genetics (formerly Invitae), Labcorp
Classification: Uncertain significance. Last evaluated: 2024-12-12. Review status: criteria provided, single submitter. Criteria: Invitae Variant Classification Sherloc (09022015). Collection method: clinical testing. Allele origin: germline.
Comment: This sequence change replaces glutamine, which is neutral and polar, with lysine, which is basic and polar, at codon 526 of the RNF168 protein (p.Gln526Lys). This variant is present in population databases (rs753970355, gnomAD 0.006%). This variant has not been reported in the literature in individuals affected with RNF168-related conditions. An algorithm developed to predict the effect of missense changes on protein structure and function (PolyPhen-2) suggests that this variant¬†is likely to be tolerated. In summary, the available evidence is currently insufficient to determine the role of this variant in disease. Therefore, it has been classified as a Variant of Uncertain Significance.